The following is an entry in ClinVar:

ClinVar aggregate classification (germline): Uncertain significance (1 of 4 stars; one submission).

Conditions:
Holoprosencephaly 3 (HPE3). Identifiers: Orphanet 2162, MedGen C1840529, MONDO:0007733, OMIM 142945.

Allele frequency attached by ClinVar (database versions not stated): gnomAD 0.00001; TOPMed 0.00003.

Submission:

Labcorp Genetics (formerly Invitae), Labcorp
Classification: Uncertain significance for Holoprosencephaly 3. Last evaluated: 2023-04-18. Review status: criteria provided, single submitter. Criteria: Invitae Variant Classification Sherloc (09022015). Collection method: clinical testing. Allele origin: germline.
Comment: In summary, the available evidence is currently insufficient to determine the role of this variant in disease. Therefore, it has been classified as a Variant of Uncertain Significance. Experimental studies and prediction algorithms are not available or were not evaluated, and the functional significance of this variant is currently unknown. This variant has not been reported in the literature in individuals affected with SHH-related conditions. This variant is not present in population databases (gnomAD no frequency). This variant occurs in a non-coding region of the SHH gene. It does not change the encoded amino acid sequence of the SHH protein.

NC_000007.14:g.156779292_156779295del

Genes: LMBR1 (limb development membrane protein 1; minus strand), SHH (sonic hedgehog signaling molecule; minus strand). Cytogenetic location: 7q36.3.
Variant type: Deletion.
Molecular consequence: intron variant (on NM_022458.4).
Genome position: GRCh38 VCF-style: chr7-156779291-CTTCT-C. GRCh37 (hg19) VCF-style: chr7-156571985-CTTCT-C.
Other names: c.-34+360_-34+363del (NM_001350955.2, NM_001363413.2, NM_001350958.2 and 1 more transcripts); c.361-15500_361-15497del (NM_001363412.2); c.145-15500_145-15497del (NM_001350954.2); c.424-15500_424-15497del (NM_001363410.2, NM_022458.4, NM_001363409.2 and 1 more transcripts); c.55-15500_55-15497del (NM_001350957.2, NM_001363411.2).
Identifiers: ClinVar variation 2877580 (VCV002877580.3), dbSNP rs962996255, ClinGen allele CA169822116.